The following is an entry in ClinVar:

ClinVar aggregate classification (germline): Benign/Likely benign. Review status: criteria provided, multiple submitters, no conflicts (2 of 4 stars). 5 submissions from 5 submitters: Benign (1); Likely benign (4). Last evaluated 2026-02-02.

Conditions:
Congenital generalized lipodystrophy type 1 (CGL1). Also called: Berardinelli-Seip Congenital Lipodystrophy Type 1; BRUNZELL SYNDROME, AGPAT2-RELATED. Identifiers: Orphanet 528, Orphanet 696189, MedGen C1720862, MONDO:0012071, OMIM 608594.

Allele frequency attached by ClinVar (database versions not stated): gnomAD 0.00175 and 0.00178; ExAC 0.00177; gnomAD exomes 0.00237 and 0.00136; ESP Exome Variant Server 0.00107; TOPMed 0.00150; 1000 Genomes Project 0.00160; 1000 Genomes Project 30x 0.00172.

Submissions (5):

Labcorp Genetics (formerly Invitae), Labcorp
Classification: Benign. Last evaluated: 2026-02-02. Review status: criteria provided, single submitter. Criteria: Invitae Variant Classification Sherloc (09022015). Collection method: clinical testing. Allele origin: germline.

Mayo Clinic Laboratories, Mayo Clinic
Classification: Likely benign. Last evaluated: 2025-05-14. Review status: criteria provided, single submitter. Criteria: ACMG Guidelines, 2015. Collection method: clinical testing. Allele origin: germline. Observed: 1 variant allele.
Comment: BS1, BP4, BP7

CeGaT Center for Human Genetics Tuebingen
Classification: Likely benign. Last evaluated: 2025-03-01. Review status: criteria provided, single submitter. Criteria: CeGaT Center For Human Genetics Tuebingen Variant Classification Criteria Version 2. Collection method: clinical testing. Allele origin: germline. Affected: yes. Observed: 4 variant alleles.
Comment: AGPAT2: BP4

Blueprint Genetics
Classification: Likely benign. Last evaluated: 2024-11-18. Review status: criteria provided, single submitter. Criteria: ACMG Guidelines, 2015. Collection method: clinical testing. Allele origin: germline.

Illumina Laboratory Services, Illumina
Classification: Likely benign for Congenital generalized lipodystrophy type 1. Last evaluated: 2018-01-13. Review status: criteria provided, single submitter. Criteria: ICSL Variant Classification Criteria 13 December 2019. Collection method: clinical testing. Allele origin: germline.
Comment: This variant was observed in the ICSL laboratory as part of a predisposition screen in an ostensibly healthy population. It had not been previously curated by ICSL or reported in the Human Gene Mutation Database (HGMD: prior to June 1st, 2018), and was therefore a candidate for classification through an automated scoring system. Utilizing variant allele frequency, disease prevalence and penetrance estimates, and inheritance mode, an automated score was calculated to assess if this variant is too frequent to cause the disease. Based on the score and internal cut-off values, a variant classified as likely benign is not then subjected to further curation. The score for this variant resulted in a classification of likely benign for this disease.

NM_006412.4(AGPAT2):c.182+6G>A

Gene: AGPAT2 (1-acylglycerol-3-phosphate O-acyltransferase 2; minus strand). Cytogenetic location: 9q34.3.
Variant type: single nucleotide variant.
Coding change: c.182+6G>A on transcript NM_006412.4 (MANE Select); 6 bases into the intron after coding-DNA position 182, G replaced by A.
Molecular consequence: intron variant.
Genome position (GRCh38, 1-based): chr9:136,687,170, C>T on the plus strand (G>A on the coding strand, the complement: AGPAT2 is on the minus strand). VCF-style: chr9-136687170-C-T. GRCh37 (hg19) VCF-style: chr9-139581622-C-T.
Other names: p.?; c.182+6G>A (NM_001012727.2).
Identifiers: ClinVar variation 365934 (VCV000365934.39), dbSNP rs373540283, ClinGen allele CA5343149.
Genomic context (GRCh38, chr9:136,687,170, plus strand): 5'-AGAAAGTTAGGGAAGCGGAAGCGGCGCGGCGGTTCCCCGGCCCCTCCCGGCGGCCCCCGG[C>T]CTTGCCTCATGTTCTCCACCGTCCGGCCGCCGTGGCGCAGCAGGCAGACGAGCGAGGCCA-3'